The following is an entry in ClinVar:

ClinVar aggregate classification (germline): not provided (0 of 4 stars; one submission).

Allele frequency attached by ClinVar (database versions not stated): gnomAD exomes 0.00001 and 0.00005; gnomAD 0.00002; TOPMed 0.00003.
gnomAD v4.1: 78 of 1,609,952 alleles (0.0048%); highest among the groups gnomAD compares: Non-Finnish European, 0.0065%; no homozygotes.

Submission:

ITMI
No classification provided. Condition: AllHighlyPenetrant. Last evaluated: 2013-09-19. Review status: no classification provided. Collection method: reference population. Allele origin: germline.
Comment: Please see associated publication for description of ethnicities

Literature cited by the submitters: PubMed 24728327.

NM_170606.3(KMT2C):c.9425A>G (p.Gln3142Arg)

Gene: KMT2C (lysine methyltransferase 2C; minus strand). Cytogenetic location: 7q36.1.
Variant type: single nucleotide variant.
Coding change: c.9425A>G on transcript NM_170606.3 (MANE Select); coding-DNA position 9425, A replaced by G.
Protein change: p.Gln3142Arg; replaces glutamine 3142 with arginine.
Molecular consequence: missense variant.
Genome position (GRCh38, 1-based): chr7:152,171,292, T>C on the plus strand (A>G on the coding strand, the complement: KMT2C is on the minus strand). VCF-style: chr7-152171292-T-C. GRCh37 (hg19) VCF-style: chr7-151868377-T-C.
Other names: short protein forms Q3142R.
Identifiers: ClinVar variation 134782 (VCV000134782.1), dbSNP rs587778502, ClinGen allele CA160735.